The following is an entry in ClinVar:

NC_000008.10:g.(?_145008466)_(145012880_?)dup

Gene: PLEC (plectin; minus strand). Cytogenetic location: 8q24.3.
Variant type: Duplication.
Identifiers: ClinVar variation 1510440 (VCV001510440.6).

ClinVar aggregate classification (germline): Likely pathogenic (1 of 4 stars; one submission).

Conditions:
Autosomal recessive limb-girdle muscular dystrophy type 2Q (LGMDR17). Also called: MUSCULAR DYSTROPHY, LIMB-GIRDLE, AUTOSOMAL RECESSIVE 17. Identifiers: Orphanet 254361, MedGen C3150989, MONDO:0013390, OMIM 613723.
Epidermolysis bullosa simplex, Ogna type (EBS5A). Also called: Pidermolysis bullosa simplex 5A, Ogna type; EPIDERMOLYSIS BULLOSA SIMPLEX 5A, OGNA TYPE. Identifiers: Orphanet 79401, MedGen C0432317, MONDO:0007555, OMIM 131950.
Epidermolysis bullosa simplex 5B, with muscular dystrophy (EBS5B). Also called: EPIDERMOLYSIS BULLOSA SIMPLEX AND LIMB-GIRDLE MUSCULAR DYSTROPHY; Epidermolysis bullosa simplex with muscular dystrophy. Identifiers: Orphanet 257, MedGen C2931072, MONDO:0009181, OMIM 226670.
Epidermolysis bullosa simplex 5C, with pyloric atresia (EBS5C). Also called: Epidermolysis bullosa simplex with pyloric atresia; PLEC-Related Epidermolysis Bullosa with Pyloric Atresia; PLEC1-Related Epidermolysis Bullosa with Pyloric Atresia. Identifiers: Orphanet 158684, MedGen C2677349, MONDO:0012807, OMIM 612138.
Epidermolysis bullosa simplex with nail dystrophy (EBS5D). Identifiers: MedGen C4225309, MONDO:0014661, OMIM 616487.

Submission:

Labcorp Genetics (formerly Invitae), Labcorp
Classification: Likely pathogenic for Autosomal recessive limb-girdle muscular dystrophy type 2Q; Epidermolysis bullosa simplex, Ogna type; Epidermolysis bullosa simplex with nail dystrophy; Epidermolysis bullosa simplex 5C, with pyloric atresia; Epidermolysis bullosa simplex 5B, with muscular dystrophy. Last evaluated: 2021-05-03. Review status: criteria provided, single submitter. Criteria: Invitae Variant Classification Sherloc (09022015). Collection method: clinical testing. Allele origin: germline.
Comment: In summary, the currently available evidence indicates that the variant is pathogenic, but additional data are needed to prove that conclusively. Therefore, this variant has been classified as Likely Pathogenic. This variant has not been reported in the literature in individuals with PLEC-related conditions. This variant results in a copy number gain of the genomic region encompassing exon(s) 3-12 of the PLEC gene. While the exact position of this variant cannot be determined from the data, sub-genic copy number gains are generally in tandem (PMID: 25640679). This variant is predicted to be out-of-frame, and may result in an absent or disrupted protein product. Loss-of-function variants in PLEC are known to be pathogenic (PMID: 20301336, 20447487, 21109228, 23289980, 28824526).

Literature cited by the submitters: PubMed 25640679; PubMed 20301336; PubMed 20447487; PubMed 21109228; PubMed 23289980; PubMed 28824526.